The following is an entry in ClinVar:

NM_001040142.2(SCN2A):c.3520+1G>T

Gene: SCN2A (sodium voltage-gated channel alpha subunit 2; plus strand). Cytogenetic location: 2q24.3.
Variant type: single nucleotide variant.
Coding change: c.3520+1G>T on transcript NM_001040142.2 (MANE Select); the canonical splice donor site of the intron after coding-DNA position 3520, G replaced by T.
Molecular consequence: splice donor variant.
Genome position (GRCh38, 1-based): chr2:165,365,264, G>T. VCF-style: chr2-165365264-G-T. GRCh37 (hg19) VCF-style: chr2-166221774-G-T.
Other names: c.3520+1G>T (NM_001040143.2, NM_001371246.1, NM_001371247.1 and 1 more transcripts).
Identifiers: ClinVar variation 1954665 (VCV001954665.7), dbSNP rs1700663077, ClinGen allele CA349025178.

ClinVar aggregate classification (germline): Pathogenic/Likely pathogenic. Review status: criteria provided, multiple submitters, no conflicts (2 of 4 stars). 2 submissions from 2 submitters: Pathogenic (1); Likely pathogenic (1). Last evaluated 2025-05-13.

Conditions:
Seizures, benign familial infantile, 3 (BFIS3). Also called: CONVULSIONS, BENIGN FAMILIAL INFANTILE, 3; Familial neonatal seizures. Identifiers: Orphanet 140927, Orphanet 306, MedGen C1843140, MONDO:0011904, OMIM 607745.
Developmental and epileptic encephalopathy, 11 (DEE11). Also called: Early infantile epileptic encephalopathy 11. Identifiers: Orphanet 1934, MedGen C3150987, MONDO:0013388, OMIM 613721.

Submissions (2):

GeneDx
Classification: Pathogenic. Last evaluated: 2025-05-13. Review status: criteria provided, single submitter. Criteria: GeneDx Variant Classification Process June 2021. Collection method: clinical testing. Allele origin: germline. Affected: yes.
Comment: Canonical splice site variant predicted to result in a null allele in a gene for which loss of function is a known mechanism of disease; Not observed at significant frequency in large population cohorts (gnomAD); Has not been previously published as pathogenic or benign to our knowledge

Labcorp Genetics (formerly Invitae), Labcorp
Classification: Likely pathogenic for Seizures, benign familial infantile, 3; Developmental and epileptic encephalopathy, 11. Last evaluated: 2022-06-27. Review status: criteria provided, single submitter. Criteria: Invitae Variant Classification Sherloc (09022015). Collection method: clinical testing. Allele origin: germline.
Comment: This sequence change affects a donor splice site in intron 18 of the SCN2A gene. It is expected to disrupt RNA splicing. Variants that disrupt the donor or acceptor splice site typically lead to a loss of protein function (PMID: 16199547), and loss-of-function variants in SCN2A are known to be pathogenic (PMID: 28379373). This variant is not present in population databases (gnomAD no frequency). This variant has not been reported in the literature in individuals affected with SCN2A-related conditions. Algorithms developed to predict the effect of sequence changes on RNA splicing suggest that this variant may disrupt the consensus splice site. In summary, the currently available evidence indicates that the variant is pathogenic, but additional data are needed to prove that conclusively. Therefore, this variant has been classified as Likely Pathogenic.

Literature cited by the submitters: PubMed 16199547 (cited by Labcorp Genetics (formerly Invitae), Labcorp); PubMed 28379373 (cited by Labcorp Genetics (formerly Invitae), Labcorp).